The following is an entry in ClinVar:

NM_017534.6(MYH2):c.2488G>A (p.Val830Ile)

Genes: MYH2 (myosin heavy chain 2; minus strand), MYHAS (myosin heavy chain gene cluster antisense RNA; plus strand). Cytogenetic location: 17p13.1.
Variant type: single nucleotide variant.
Coding change: c.2488G>A on transcript NM_017534.6 (MANE Select); coding-DNA position 2488, G replaced by A.
Protein change: p.Val830Ile; replaces valine 830 with isoleucine.
Molecular consequence: missense variant.
Genome position (GRCh38, 1-based): chr17:10,531,842, C>T on the plus strand (G>A on the coding strand, the complement: MYH2 is on the minus strand). VCF-style: chr17-10531842-C-T. GRCh37 (hg19) VCF-style: chr17-10435159-C-T.
Other names: c.2488G>A, p.Val830Ile (NM_001100112.2); short protein forms V830I.
Identifiers: ClinVar variation 3731386 (VCV003731386.1).

ClinVar aggregate classification (germline): Uncertain significance (1 of 4 stars; one submission).

Conditions:
Myopathy, proximal, and ophthalmoplegia (CMYO6). Also called: MYOPATHY WITH CONGENITAL JOINT CONTRACTURES, OPHTHALMOPLEGIA, AND RIMMED VACUOLES; CONGENITAL MYOPATHY 6 WITH OPHTHALMOPLEGIA; INCLUSION BODY MYOPATHY 3, AUTOSOMAL DOMINANT. Identifiers: Orphanet 363677, Orphanet 79091, MedGen C1854106, MONDO:0011577, OMIM 605637.

Submission:

Neuberg Centre For Genomic Medicine, NCGM
Classification: Uncertain significance for Myopathy, proximal, and ophthalmoplegia. Last evaluated: 2023-06-22. Review status: criteria provided, single submitter. Criteria: ACMG Guidelines, 2015. Collection method: clinical testing. Allele origin: germline. Inheritance: Autosomal dominant inheritance. Affected: yes.
Comment: The missense variant c.2488G>A (p.Val830Ile) in the MYH2 gene has not been reported previously as a pathogenic variant nor as a benign variant, to our knowledge. This variant is absent in the gnomAD Exomes. The amino acid Val at position 830 is changed to a Ile changing protein sequence and it might alter its composition and physico-chemical properties. Multiple lines of computational evidence (SIFT - Damaging and MutationTaster - Disease causing) predict a damaging effect on protein structure and function for this variant. The amino acid change p.Val830Ile in MYH2 is predicted as conserved by GERP++ and PhyloP across 100 vertebrates. For these reasons, this variant has been classified as Uncertain Significance